The following is an entry in ClinVar:

ClinVar aggregate classification (germline): Conflicting classifications of pathogenicity. Review status: criteria provided, conflicting classifications (1 of 4 stars). 5 submissions from 5 submitters: Uncertain significance (1); Likely benign (4). Last evaluated 2026-06-09.

Conditions:
Usher syndrome type 1G. Also called: USHER SYNDROME, TYPE IG, MILD. Identifiers: Orphanet 231169, Orphanet 886, MedGen C1847089, MONDO:0011748, OMIM 606943.
USH1G-related disorder. Also called: USH1G-related condition; USH1G-related disorders.

Allele frequency attached by ClinVar (database versions not stated): gnomAD exomes 0.00022; ExAC 0.00025; 1000 Genomes Project 30x 0.00078; 1000 Genomes Project 0.00100.

Submissions (5):

PreventionGenetics, part of Exact Sciences
Classification: Likely benign for USH1G-related condition. Last evaluated: 2026-06-09. Review status: criteria provided, single submitter. Criteria: ACMG Guidelines, 2015. Collection method: clinical testing. Allele origin: germline.
Comment: This variant is classified as likely benign based on ACMG/AMP sequence variant interpretation guidelines (Richards et al. 2015 PMID: 25741868, with internal and published modifications).

Labcorp Genetics (formerly Invitae), Labcorp
Classification: Likely benign. Last evaluated: 2025-10-28. Review status: criteria provided, single submitter. Criteria: Invitae Variant Classification Sherloc (09022015). Collection method: clinical testing. Allele origin: germline.

Blueprint Genetics
Classification: Likely benign. Last evaluated: 2024-07-16. Review status: criteria provided, single submitter. Criteria: ACMG Guidelines, 2015. Collection method: clinical testing. Allele origin: germline.

GeneDx
Classification: Likely benign. Last evaluated: 2018-07-30. Review status: criteria provided, single submitter. Criteria: GeneDx Variant Classification Process June 2021. Collection method: clinical testing. Allele origin: germline. Affected: yes.

Illumina Laboratory Services, Illumina
Classification: Uncertain significance for Usher syndrome type 1G. Last evaluated: 2018-01-13. Review status: criteria provided, single submitter. Criteria: ICSL Variant Classification Criteria 13 December 2019. Collection method: clinical testing. Allele origin: germline.

NM_173477.5(USH1G):c.1170C>T (p.Ser390=)

Gene: USH1G (USH1 protein network component sans; minus strand). Cytogenetic location: 17q25.1.
Variant type: single nucleotide variant.
Coding change: c.1170C>T on transcript NM_173477.5 (MANE Select); coding-DNA position 1170, C replaced by T.
Protein change: p.Ser390=; no amino-acid change (serine 390 retained).
Molecular consequence: synonymous variant.
Genome position (GRCh38, 1-based): chr17:74,919,666, G>A on the plus strand (C>T on the coding strand, the complement: USH1G is on the minus strand). VCF-style: chr17-74919666-G-A. GRCh37 (hg19) VCF-style: chr17-72915761-G-A.
Other names: c.1170C>T (NM_173477.4); c.861C>T, p.Ser287= (NM_001282489.3).
Identifiers: ClinVar variation 513512 (VCV000513512.18), dbSNP rs199724052, ClinGen allele CA8753920.